The following is an entry in ClinVar:

NM_002900.3(RBP3):c.469G>A (p.Gly157Arg)

Gene: RBP3 (retinol binding protein 3; plus strand). Cytogenetic location: 10q11.22.
Variant type: single nucleotide variant.
Coding change: c.469G>A on transcript NM_002900.3 (MANE Select); coding-DNA position 469, G replaced by A.
Protein change: p.Gly157Arg; replaces glycine 157 with arginine.
Molecular consequence: missense variant.
Genome position (GRCh38, 1-based): chr10:47,348,953, G>A. VCF-style: chr10-47348953-G-A. GRCh37 (hg19) VCF-style: chr10-48390409-C-T.
Other names: short protein forms G157R.
Identifiers: ClinVar variation 1043296 (VCV001043296.7), dbSNP rs572940266, ClinGen allele CA5487783.

ClinVar aggregate classification (germline): Conflicting classifications of pathogenicity. Review status: criteria provided, conflicting classifications (1 of 4 stars). 2 submissions from 2 submitters: Uncertain significance (1); Benign (1). Last evaluated 2024-07-23.

Allele frequency attached by ClinVar (database versions not stated): gnomAD below 0.00001 and 0.00001; TOPMed 0.00001; gnomAD exomes 0.00006 and 0.00021; ExAC 0.00018.

Submissions (2):

Blueprint Genetics
Classification: Benign. Last evaluated: 2024-07-23. Review status: criteria provided, single submitter. Criteria: ACMG Guidelines, 2015. Collection method: clinical testing. Allele origin: germline.

Labcorp Genetics (formerly Invitae), Labcorp
Classification: Uncertain significance. Last evaluated: 2021-08-28. Review status: criteria provided, single submitter. Criteria: Invitae Variant Classification Sherloc (09022015). Collection method: clinical testing. Allele origin: germline.
Comment: This sequence change replaces glycine with arginine at codon 157 of the RBP3 protein (p.Gly157Arg). The glycine residue is weakly conserved and there is a moderate physicochemical difference between glycine and arginine. This variant is present in population databases (rs572940266, ExAC 0.1%). This variant has not been reported in the literature in individuals affected with RBP3-related conditions. Algorithms developed to predict the effect of missense changes on protein structure and function output the following: SIFT: "Tolerated"; PolyPhen-2: "Benign"; Align-GVGD: "Class C0". The arginine amino acid residue is found in multiple mammalian species, which suggests that this missense change does not adversely affect protein function. In summary, the available evidence is currently insufficient to determine the role of this variant in disease. Therefore, it has been classified as a Variant of Uncertain Significance.